The following is an entry in ClinVar:

NM_006735.4(HOXA2):c.334GCC[5] (p.Ala117del)

Gene: HOXA2 (homeobox A2; minus strand). Cytogenetic location: 7p15.2.
Variant type: Microsatellite.
Coding change: c.334GCC[5] on transcript NM_006735.4 (MANE Select); five copies in a row of the 3-base unit GCC starting at c.334; the reference has six copies in a row; one copy, 3 bases deleted.
Protein change: p.Ala117del; deletes alanine 117.
Molecular consequence: inframe deletion.
Genome position (GRCh38, 1-based): chr7:27,102,150-27,102,152, GGC deleted on the plus strand (GCC on the coding strand, the reverse complement: HOXA2 is on the minus strand); deleting any 3 consecutive bases within chr7:27,102,150-27,102,167 gives the same sequence; the position shown is the placement nearest the transcript's 3' end. VCF-style (leftmost placement, unchanged base first): chr7-27102149-TGGC-T. GRCh37 (hg19) VCF-style: chr7-27141768-TGGC-T.
Other names: short protein forms A117del.
Identifiers: ClinVar variation 3344677 (VCV003344677.1).

ClinVar aggregate classification (germline): Likely benign (0 of 4 stars; one submission).

Conditions:
HOXA2-related disorder. Also called: HOXA2-related condition.

Submission:

PreventionGenetics, part of Exact Sciences
Classification: Likely benign for HOXA2-related condition. Last evaluated: 2024-04-02. Review status: no assertion criteria provided. Collection method: clinical testing. Allele origin: germline.
Comment: This variant is classified as likely benign based on ACMG/AMP sequence variant interpretation guidelines (Richards et al. 2015 PMID: 25741868, with internal and published modifications).